The following is an entry in ClinVar:

NM_032228.6(FAR1):c.833T>C (p.Val278Ala)

Gene: FAR1 (fatty acyl-CoA reductase 1; plus strand). Cytogenetic location: 11p15.3.
Variant type: single nucleotide variant.
Coding change: c.833T>C on transcript NM_032228.6 (MANE Select); coding-DNA position 833, T replaced by C.
Protein change: p.Val278Ala; replaces valine 278 with alanine.
Molecular consequence: missense variant.
Genome position (GRCh38, 1-based): chr11:13,711,992, T>C. VCF-style: chr11-13711992-T-C. GRCh37 (hg19) VCF-style: chr11-13733539-T-C.
Other names: short protein forms V278A.
Identifiers: ClinVar variation 2762738 (VCV002762738.3), dbSNP rs2500134952, ClinGen allele CA379857808.

ClinVar aggregate classification (germline): Uncertain significance (1 of 4 stars; one submission).

Submission:

Labcorp Genetics (formerly Invitae), Labcorp
Classification: Uncertain significance. Last evaluated: 2023-11-19. Review status: criteria provided, single submitter. Criteria: Invitae Variant Classification Sherloc (09022015). Collection method: clinical testing. Allele origin: germline.
Comment: This sequence change replaces valine, which is neutral and non-polar, with alanine, which is neutral and non-polar, at codon 278 of the FAR1 protein (p.Val278Ala). This variant is not present in population databases (gnomAD no frequency). This variant has not been reported in the literature in individuals affected with FAR1-related conditions. Advanced modeling of protein sequence and biophysical properties (such as structural, functional, and spatial information, amino acid conservation, physicochemical variation, residue mobility, and thermodynamic stability) performed at Invitae indicates that this missense variant is not expected to disrupt FAR1 protein function with a negative predictive value of 80%. In summary, the available evidence is currently insufficient to determine the role of this variant in disease. Therefore, it has been classified as a Variant of Uncertain Significance.